The following is an entry in ClinVar:

NM_001378183.1(PIEZO2):c.7677_7680del (p.Gly2560fs)

Gene: PIEZO2 (piezo type mechanosensitive ion channel component 2; minus strand). Cytogenetic location: 18p11.22.
Variant type: Deletion.
Coding change: c.7677_7680del on transcript NM_001378183.1 (MANE Select); coding-DNA positions 7677 to 7680, 4 bases deleted (AGGG; older notation c.7677_7680delAGGG).
Protein change: p.Gly2560fs; shifts the reading frame from glycine 2560.
Molecular consequence: frameshift variant.
Genome position (GRCh38, 1-based): chr18:10,682,110-10,682,113, CCCT deleted on the plus strand (AGGG on the coding strand, the reverse complement: PIEZO2 is on the minus strand); deleting any 4 consecutive bases within chr18:10,682,110-10,682,116 gives the same sequence; the c. name uses the placement nearest the transcript's 3' end. VCF-style (leftmost placement, unchanged base first): chr18-10682109-ACCCT-A. GRCh37 (hg19) VCF-style: chr18-10682106-ACCCT-A.
Other names: c.7413_7416del, p.Gly2472fs (NM_001410871.1); c.7338_7341del, p.Gly2447fs (NM_022068.4); short protein forms G2447fs, G2472fs, G2560fs.
Identifiers: ClinVar variation 4886566 (VCV004886566.2).
Genomic context (GRCh38, chr18:10,682,109, plus strand): 5'-AAAGGAATGTGGCGTGGGGCAAGGCTCTGGTAGGTGGGGTGTGCACAGAGATCACCTGAT[ACCCT>A]CCCAGGGTAATTGTGACGGAGACGTCCAGGGGCTGGTTGATGACCCCAGCCACAGATTTG-3'

ClinVar aggregate classification (germline): Likely pathogenic (1 of 4 stars; one submission).

Submission:

Dasa
Classification: Likely pathogenic. Last evaluated: 2025-10-08. Review status: criteria provided, single submitter. Criteria: DASA Assertion Criteria. Collection method: clinical testing. Allele origin: germline.
Comment: NM_001378183.1(PIEZO2):c.7677_7680del (p.Gly2560Ilefs*7) is a frameshift variant in PIEZO2 predicted to alter the reading frame and introduce a premature termination codon and is predicted to result in an absent or altered protein product. Loss of function is an established disease mechanism for PIEZO2-associated disorders. Also, this variant is absent from population databases. Based on the currently available evidence, this variant is classified as likely pathogenic.